The following is an entry in ClinVar:

NM_001943.5(DSG2):c.1525G>A (p.Asp509Asn)

Gene: DSG2 (desmoglein 2; plus strand). Cytogenetic location: 18q12.1.
Variant type: single nucleotide variant.
Coding change: c.1525G>A on transcript NM_001943.5 (MANE Select); coding-DNA position 1525, G replaced by A.
Protein change: p.Asp509Asn; replaces aspartic acid 509 with asparagine.
Molecular consequence: missense variant.
Genome position (GRCh38, 1-based): chr18:31,536,303, G>A. VCF-style: chr18-31536303-G-A. GRCh37 (hg19) VCF-style: chr18-29116266-G-A.
Other names: short protein forms D509N.
Identifiers: ClinVar variation 228629 (VCV000228629.25), dbSNP rs753406968, ClinGen allele CA042777.

ClinVar aggregate classification (germline): Conflicting classifications of pathogenicity. Review status: criteria provided, conflicting classifications (1 of 4 stars). 8 submissions from 7 submitters: Uncertain significance (7); Likely benign (1). Last evaluated 2026-01-14.

Conditions:
Cardiovascular phenotype. Identifiers: MedGen CN230736.
Cardiomyopathy (CMYO). Also called: Cardiomyopathies. Identifiers: Orphanet 167848, MedGen C0878544, MONDO:0004994, HP:0001638. Inheritance: Various modes of inheritance.
Arrhythmogenic right ventricular dysplasia 10. Also called: Arrhythmogenic Right Ventricular Dysplasia/Cardiomyopathy10; Arrhythmogenic right ventricular dysplasia/cardiomyopathy, type 10; ARRHYTHMOGENIC RIGHT VENTRICULAR DYSPLASIA, FAMILIAL, 10. Identifiers: MedGen C1857777, MONDO:0012434, OMIM 610193.
Arrhythmogenic right ventricular cardiomyopathy (ARVD). Also called: Cardiomyopathy, ARVC; Arrhythmogenic right ventricular dysplasia; Arrhythmogenic cardiomyopathy; Arrhythmogenic Right Ventricular Cardiomyopathy (ARVC). Identifiers: Orphanet 247, MedGen C0349788, MeSH D019571, MONDO:0016587. Disease mechanism: loss of function. Inheritance: Various modes of inheritance.
Dilated cardiomyopathy 1BB (CMD1BB). Also called: CARDIOMYOPATHY, DILATED, 1BB, SUSCEPTIBILITY TO. Identifiers: Orphanet 154, MedGen C2752072, MONDO:0013030, OMIM 612877.

Allele frequency attached by ClinVar (database versions not stated): gnomAD 0.00001; gnomAD exomes 0.00002 and 0.00004; ExAC 0.00005; TOPMed 0.00005.

Submissions (8):

Labcorp Genetics (formerly Invitae), Labcorp
Classification: Uncertain significance for Arrhythmogenic right ventricular dysplasia 10. Last evaluated: 2026-01-14. Review status: criteria provided, single submitter. Criteria: Invitae Variant Classification Sherloc (09022015). Collection method: clinical testing. Allele origin: germline.
Comment: This sequence change replaces aspartic acid, which is acidic and polar, with asparagine, which is neutral and polar, at codon 509 of the DSG2 protein (p.Asp509Asn). This variant is present in population databases (rs753406968, gnomAD 0.05%). This missense change has been observed in individual(s) with arrhythmogenic right ventricular cardiomyopathy (PMID: 29178656). ClinVar contains an entry for this variant (Variation ID: 228629). Invitae Evidence Modeling of protein sequence and biophysical properties (such as structural, functional, and spatial information, amino acid conservation, physicochemical variation, residue mobility, and thermodynamic stability) indicates that this missense variant is not expected to disrupt DSG2 protein function with a negative predictive value of 95%. In summary, the available evidence is currently insufficient to determine the role of this variant in disease. Therefore, it has been classified as a Variant of Uncertain Significance.

All of Us Research Program, National Institutes of Health
Classification: Uncertain significance for Arrhythmogenic right ventricular cardiomyopathy. Last evaluated: 2024-07-10. Review status: criteria provided, single submitter. Criteria: ACMG Guidelines, 2015. Collection method: clinical testing. Allele origin: germline. Inheritance: Autosomal dominant inheritance. Observed: 5 variant alleles, 5 heterozygotes.
Comment: This missense variant replaces aspartic acid with asparagine at codon 509 of the DSG2 protein. Computational prediction suggests that this variant may not impact protein structure and function (internally defined REVEL score threshold <= 0.5, PMID: 27666373). To our knowledge, functional studies have not been reported for this variant. This variant has been reported in an individual affected with arrhythmogenic right ventricular cardiomyopathy (PMID: 29178656). This variant has aslo been identified in 11/249432 chromosomes in the general population by the Genome Aggregation Database (gnomAD). The available evidence is insufficient to determine the role of this variant in disease conclusively. Therefore, this variant is classified as a Variant of Uncertain Significance.

This study involves interpretation of variants in research participants for the purpose of population health screening. Participant phenotype was not available at the time of variant classification. Additional details can be found in publication PMID: 35346344, PMCID: PMC8962531

Color Diagnostics, LLC DBA Color Health
Classification: Uncertain significance for Cardiomyopathy. Last evaluated: 2024-06-20. Review status: criteria provided, single submitter. Criteria: ACMG Guidelines, 2015. Collection method: clinical testing. Allele origin: germline.
Comment: This missense variant replaces aspartic acid with asparagine at codon 509 of the DSG2 protein. Computational prediction suggests that this variant may not impact protein structure and function (internally defined REVEL score threshold <= 0.5, PMID: 27666373). To our knowledge, functional studies have not been reported for this variant. This variant has been reported in an individual affected with arrhythmogenic right ventricular cardiomyopathy (PMID: 29178656). This variant has aslo been identified in 11/249432 chromosomes in the general population by the Genome Aggregation Database (gnomAD). The available evidence is insufficient to determine the role of this variant in disease conclusively. Therefore, this variant is classified as a Variant of Uncertain Significance.

Ambry Genetics
Classification: Likely benign for Cardiovascular phenotype. Last evaluated: 2022-02-14. Review status: criteria provided, single submitter. Criteria: Ambry Variant Classification Scheme 2023. Collection method: clinical testing. Allele origin: germline.

Victorian Clinical Genetics Services, Murdoch Childrens Research Institute
Classification: Uncertain significance for Dilated cardiomyopathy 1BB. Last evaluated: 2020-05-25. Review status: criteria provided, single submitter. Criteria: ACMG Guidelines, 2015. Collection method: clinical testing. Allele origin: germline.
Comment: Based on the classification scheme VCGS_Germline_v1.1.1, this variant is classified as 3C-VUS. Following criteria are met: 0102 - Loss-of-function is a known mechanism of disease for this gene. (N) 0107 - Autosomal dominance with reduced penetrance, is the usual reported inheritance. However, digenic inheritance has also been reported (OMIM). (N) 0112 - Variants in this gene are known to have reduced penetrance (OMIM). (N) 0200 - Variant is predicted to result in a missense amino acid change from aspartic acid to asparagine. (N) 0251 - Variant is heterozygous. (N) 0302 - Variant is present in gnomAD <0.001 for a dominant condition (11 Heterozygotes, 0 Homozygotes). (P) 0309 - An alternative amino acid change at the same position has been observed in gnomAD (1 Heterozygotes, 0 Homozygotes). (N) 0503 - Missense variant consistently predicted to be tolerated or not conserved in mammals with a minor amino acid change. (B) 0604 - Variant is not located in an established domain, motif, hotspot or informative constraint region. (N) 0705 - No comparable variants have previous evidence for pathogenicity. (N) 0808 - Previous reports of pathogenicity are uncertain. ClinVar contains four VUS entries for this variant. Reported as a non-pathogenic variant in an ARVD patient (Wada, Y. et al. (2017)) (N) 0905 - No segregation evidence has been identified for this variant. (N) 1007 - No published functional evidence has been identified for this variant. (N) 1208 - Inheritance information for this variant is not currently available. (N) Legend: (P) - Pathogenic, (N) - Neutral, (B) - Benign

Phosphorus, Inc.
Classification: Uncertain significance for Arrhythmogenic right ventricular dysplasia 10. Last evaluated: 2017-08-01. Review status: criteria provided, single submitter. Criteria: ACMG Guidelines, 2015. Collection method: clinical testing. Allele origin: germline. Observed: 1 variant allele.

Phosphorus, Inc.
Classification: Uncertain significance for Dilated cardiomyopathy 1BB. Last evaluated: 2017-08-01. Review status: criteria provided, single submitter. Criteria: ACMG Guidelines, 2015. Collection method: clinical testing. Allele origin: germline. Observed: 1 variant allele.

Laboratory for Molecular Medicine, Mass General Brigham Personalized Medicine
Classification: Uncertain significance. Last evaluated: 2015-03-21. Review status: criteria provided, single submitter. Criteria: LMM Criteria. Collection method: clinical testing. Allele origin: germline. Observed: 1 variant allele.
Comment: Variant classified as Uncertain Significance - Favor Benign. The p.Asp509Asn var iant in DSG2 has not been previously reported in individuals with cardiomyopathy , but has been identified in 4/8616 of East Asian chromosomes by the Exome Aggre gation Consortium (ExAC). Aspartic acid (Asp) at position 509 is not conserved in mammals or evolutionarily distant species and 3 species (squirrel, ferret, and American alligator) carry an asparagine (Asn) a t this position, raising the possibility that this change may be tolerated. Addi tional computational prediction tools suggest that the p.Asp509Asn variant may n ot impact the protein, though this information is not predictive enough to rule out pathogenicity. In summary, while the clinical significance of the p.Asp509As n variant is uncertain, the presence of the variant amino acid in multiple other species suggests that it is more likely to be benign.

Literature cited by the submitters: PubMed 29178656 (cited by 4 submitters).